The following is an entry in ClinVar:

NC_000016.10:g.67660265C>G

Gene: ACD (ACD shelterin complex subunit and telomerase recruitment factor; minus strand). Cytogenetic location: 16q22.1.
Variant type: single nucleotide variant.
Genome position: GRCh38 VCF-style: chr16-67660265-C-G. GRCh37 (hg19) VCF-style: chr16-67694168-C-G.
Identifiers: ClinVar variation 2957494 (VCV002957494.3), dbSNP rs1454372283, ClinGen allele CA396359390.
Genomic context (GRCh38, chr16:67,660,265, plus strand): 5'-TCCCCGAACCTGCCATCCCCACGGCTACACCCAGCGGATGCAACGGGCCCGGGTTTCCCG[C>G]GGGCGCCCAGGCCCCGCCTTTCCTCGGAAGAGGAAGCTCCTTCGCTGGGCGGGGCCGGAG-3'

ClinVar aggregate classification (germline): Uncertain significance (1 of 4 stars; one submission).

Conditions:
Dyskeratosis congenita, autosomal dominant 6 (DKCA6). Identifiers: Orphanet 3322, MedGen C4225284, MONDO:0014690, OMIM 616553.

Submission:

Labcorp Genetics (formerly Invitae), Labcorp
Classification: Uncertain significance for Dyskeratosis congenita, autosomal dominant 6. Last evaluated: 2023-12-13. Review status: criteria provided, single submitter. Criteria: Invitae Variant Classification Sherloc (09022015). Collection method: clinical testing. Allele origin: germline.
Comment: This sequence change replaces alanine, which is neutral and non-polar, with proline, which is neutral and non-polar, at codon 72 of the ACD protein (p.Ala72Pro). This variant is present in population databases (no rsID available, gnomAD 0.003%). This variant has not been reported in the literature in individuals affected with ACD-related conditions. An algorithm developed to predict the effect of missense changes on protein structure and function (PolyPhen-2) suggests that this variant is likely to be tolerated. In summary, the available evidence is currently insufficient to determine the role of this variant in disease. Therefore, it has been classified as a Variant of Uncertain Significance.